The following is an entry in ClinVar:

ClinVar aggregate classification (germline): Pathogenic (1 of 4 stars; one submission).

Submission:

Labcorp Genetics (formerly Invitae), Labcorp
Classification: Pathogenic. Last evaluated: 2023-12-03. Review status: criteria provided, single submitter. Criteria: Invitae Variant Classification Sherloc (09022015). Collection method: clinical testing. Allele origin: germline.
Comment: This sequence change creates a premature translational stop signal (p.Leu3709Phefs*4) in the ADGRV1 gene. It is expected to result in an absent or disrupted protein product. Loss-of-function variants in ADGRV1 are known to be pathogenic (PMID: 19357117, 22135276, 22147658, 26226137, 30718709, 31047384, 32467589). This variant is not present in population databases (gnomAD no frequency). This variant has not been reported in the literature in individuals affected with ADGRV1-related conditions. For these reasons, this variant has been classified as Pathogenic.

Literature cited by the submitters: PubMed 19357117; PubMed 22135276; PubMed 22147658; PubMed 26226137; PubMed 30718709; PubMed 31047384; PubMed 32467589.

NM_032119.4(ADGRV1):c.11126dup (p.Leu3709fs)

Gene: ADGRV1 (adhesion G protein-coupled receptor V1; plus strand). Cytogenetic location: 5q14.3.
Variant type: Duplication.
Coding change: c.11126dup on transcript NM_032119.4 (MANE Select); coding-DNA position 11126, one base duplicated (T; older notation c.11126dupT).
Protein change: p.Leu3709fs; shifts the reading frame from leucine 3709.
Molecular consequence: frameshift variant. On other transcripts: non-coding transcript variant (1).
Genome position (GRCh38, 1-based): chr5:90,753,578, T duplicated; the last of 4 consecutive T bases (chr5:90,753,575-90,753,578); duplicating any one gives the same sequence. VCF-style (leftmost placement, unchanged base first): chr5-90753574-A-AT. GRCh37 (hg19) VCF-style: chr5-90049391-A-AT.
Other names: short protein forms L3709fs.
Identifiers: ClinVar variation 2770153 (VCV002770153.3), dbSNP rs2531616793, ClinGen allele CA2697546248.